The following is an entry in ClinVar:

ClinVar aggregate classification (germline): Uncertain significance. Review status: criteria provided, multiple submitters, no conflicts (2 of 4 stars). 7 submissions from 3 submitters: Uncertain significance (7). Last evaluated 2023-12-13.

Conditions:
Dystonia 9 (DYT9). Also called: CHOREOATHETOSIS, KINESIGENIC, WITH EPISODIC ATAXIA AND SPASTICITY. Identifiers: Orphanet 53583, MedGen C1832855, MONDO:0010983, OMIM 601042.
Epilepsy, idiopathic generalized, susceptibility to, 12 (EIG12). Identifiers: MedGen C3553859, MONDO:0013919, OMIM 614847.
Encephalopathy due to GLUT1 deficiency. Also called: De Vivo disease; GLUCOSE TRANSPORT DEFECT, BLOOD-BRAIN BARRIER; Classic Glucose Transporter Type 1 Deficiency Syndrome; Glucose transporter protein syndrome; GLUT1 deficiency syndrome 1, infantile onset, severe; GLUT1 deficiency syndrome 1. Identifiers: Orphanet 71277, MedGen C4551966, MONDO:0011724, OMIM 606777.
GLUT1 deficiency syndrome 1, autosomal recessive. Identifiers: MedGen C3149117.
Childhood onset GLUT1 deficiency syndrome 2. Also called: PxMD-SLC2A1; Exertion-induced paroxysmal dyskinesia; PAROXYSMAL EXERCISE-INDUCED DYSKINESIA WITH OR WITHOUT EPILEPSY AND/OR HEMOLYTIC ANEMIA; PAROXYSMAL EXERTION-INDUCED DYSTONIA WITH OR WITHOUT EPILEPSY AND/OR HEMOLYTIC ANEMIA; PED WITH OR WITHOUT EPILEPSY AND/OR HEMOLYTIC ANEMIA; Paroxysmal exercise-induced dystonia. Identifiers: Orphanet 98811, MedGen C1842534, MONDO:0012805, OMIM 612126.
Hereditary cryohydrocytosis with reduced stomatin. Also called: Stomatin-deficient cryohydrocytosis with neurologic defects; GLUT1 DEFICIENCY SYNDROME WITH PSEUDOHYPERKALEMIA AND HEMOLYSIS. Identifiers: Orphanet 168577, MedGen C1837206, MONDO:0012143, OMIM 608885.

Allele frequency attached by ClinVar (database versions not stated): gnomAD exomes below 0.00001.
gnomAD v4.1: 1 of 1,613,612 alleles (0.000062%); highest among the groups gnomAD compares: Non-Finnish European, 0.000085%; no homozygotes.

Submissions (7):

GeneDx
Classification: Uncertain significance. Last evaluated: 2023-12-13. Review status: criteria provided, single submitter. Criteria: GeneDx Variant Classification Process June 2021. Collection method: clinical testing. Allele origin: germline. Affected: yes.
Comment: Not observed at significant frequency in large population cohorts (gnomAD); In silico analysis supports that this missense variant has a deleterious effect on protein structure/function; Has not been previously published as pathogenic or benign to our knowledge

Genome-Nilou Lab
Classification: Uncertain significance for Epilepsy, idiopathic generalized, susceptibility to, 12. Last evaluated: 2023-04-11. Review status: criteria provided, single submitter. Criteria: ACMG Guidelines, 2015. Collection method: clinical testing. Allele origin: germline. Affected: no.

Genome-Nilou Lab
Classification: Uncertain significance for Dystonia 9. Last evaluated: 2023-04-11. Review status: criteria provided, single submitter. Criteria: ACMG Guidelines, 2015. Collection method: clinical testing. Allele origin: germline. Affected: no.

Genome-Nilou Lab
Classification: Uncertain significance for Encephalopathy due to GLUT1 deficiency. Last evaluated: 2023-04-11. Review status: criteria provided, single submitter. Criteria: ACMG Guidelines, 2015. Collection method: clinical testing. Allele origin: germline. Affected: no.

Genome-Nilou Lab
Classification: Uncertain significance for Childhood onset GLUT1 deficiency syndrome 2. Last evaluated: 2023-04-11. Review status: criteria provided, single submitter. Criteria: ACMG Guidelines, 2015. Collection method: clinical testing. Allele origin: germline. Affected: no.

Genome-Nilou Lab
Classification: Uncertain significance for Hereditary cryohydrocytosis with reduced stomatin. Last evaluated: 2023-04-11. Review status: criteria provided, single submitter. Criteria: ACMG Guidelines, 2015. Collection method: clinical testing. Allele origin: germline. Affected: no.

Labcorp Genetics (formerly Invitae), Labcorp
Classification: Uncertain significance for GLUT1 deficiency syndrome 1, autosomal recessive. Last evaluated: 2022-06-13. Review status: criteria provided, single submitter. Criteria: Invitae Variant Classification Sherloc (09022015). Collection method: clinical testing. Allele origin: germline.
Comment: In summary, the available evidence is currently insufficient to determine the role of this variant in disease. Therefore, it has been classified as a Variant of Uncertain Significance. Advanced modeling of protein sequence and biophysical properties (such as structural, functional, and spatial information, amino acid conservation, physicochemical variation, residue mobility, and thermodynamic stability) performed at Invitae indicates that this missense variant is expected to disrupt SLC2A1 protein function. ClinVar contains an entry for this variant (Variation ID: 580258). This variant has not been reported in the literature in individuals affected with SLC2A1-related conditions. This variant is present in population databases (no rsID available, gnomAD 0.0009%). This sequence change replaces alanine, which is neutral and non-polar, with glycine, which is neutral and non-polar, at codon 301 of the SLC2A1 protein (p.Ala301Gly).

NM_006516.4(SLC2A1):c.902C>G (p.Ala301Gly)

Gene: SLC2A1 (solute carrier family 2 member 1; minus strand). Cytogenetic location: 1p34.2.
Variant type: single nucleotide variant.
Coding change: c.902C>G on transcript NM_006516.4 (MANE Select); coding-DNA position 902, C replaced by G.
Protein change: p.Ala301Gly; replaces alanine 301 with glycine.
Molecular consequence: missense variant.
Genome position (GRCh38, 1-based): chr1:42,929,280, G>C on the plus strand (C>G on the coding strand, the complement: SLC2A1 is on the minus strand). VCF-style: chr1-42929280-G-C. GRCh37 (hg19) VCF-style: chr1-43394951-G-C.
Other names: short protein forms A301G.
Identifiers: ClinVar variation 580258 (VCV000580258.12), dbSNP rs1425773776, ClinGen allele CA339956790.